The following is an entry in ClinVar:

ClinVar aggregate classification (germline): Uncertain significance. Review status: criteria provided, multiple submitters, no conflicts (2 of 4 stars). 2 submissions from 2 submitters: Uncertain significance (2). Last evaluated 2025-04-12.

Conditions:
Inborn genetic diseases. Identifiers: MedGen C0950123, MeSH D030342.
Lethal multiple pterygium syndrome (LMPS). Identifiers: Orphanet 33108, MedGen C1854678, MONDO:0009668, OMIM 253290.

Allele frequency attached by ClinVar (database versions not stated): ExAC 0.00002; gnomAD exomes 0.00002 and 0.00003; gnomAD 0.00003 and 0.00004; TOPMed 0.00004; ESP Exome Variant Server 0.00008.
gnomAD v4.1: 46 of 1,613,146 alleles (0.0029%); highest among the groups gnomAD compares: African/African-American, 0.004%; no homozygotes.

Submissions (2):

Ambry Genetics
Classification: Uncertain significance for Inborn genetic diseases. Last evaluated: 2025-04-12. Review status: criteria provided, single submitter. Criteria: Ambry Variant Classification Scheme 2023. Collection method: clinical testing. Allele origin: germline.

Labcorp Genetics (formerly Invitae), Labcorp
Classification: Uncertain significance for Lethal multiple pterygium syndrome. Last evaluated: 2024-05-23. Review status: criteria provided, single submitter. Criteria: Invitae Variant Classification Sherloc (09022015). Collection method: clinical testing. Allele origin: germline.
Comment: This sequence change replaces asparagine, which is neutral and polar, with aspartic acid, which is acidic and polar, at codon 76 of the CHRND protein (p.Asn76Asp). This variant is present in population databases (rs200755491, gnomAD 0.004%). This variant has not been reported in the literature in individuals affected with CHRND-related conditions. ClinVar contains an entry for this variant (Variation ID: 1353921). Advanced modeling of protein sequence and biophysical properties (such as structural, functional, and spatial information, amino acid conservation, physicochemical variation, residue mobility, and thermodynamic stability) performed at Invitae indicates that this missense variant is not expected to disrupt CHRND protein function with a negative predictive value of 80%. In summary, the available evidence is currently insufficient to determine the role of this variant in disease. Therefore, it has been classified as a Variant of Uncertain Significance.

NM_000751.3(CHRND):c.226A>G (p.Asn76Asp)

Gene: CHRND (cholinergic receptor nicotinic delta subunit; plus strand). Cytogenetic location: 2q37.1.
Variant type: single nucleotide variant.
Coding change: c.226A>G on transcript NM_000751.3 (MANE Select); coding-DNA position 226, A replaced by G.
Protein change: p.Asn76Asp; replaces asparagine 76 with aspartic acid.
Molecular consequence: missense variant. On other transcripts: 5 prime UTR variant (2), intron variant (1).
Genome position (GRCh38, 1-based): chr2:232,527,428, A>G. VCF-style: chr2-232527428-A-G. GRCh37 (hg19) VCF-style: chr2-233392138-A-G.
Other names: c.226A>G (NM_000751.1); c.-46A>G (NM_001311195.2, NM_001311196.2); c.198+754A>G (NM_001256657.2); short protein forms N76D.
Identifiers: ClinVar variation 1353921 (VCV001353921.9), dbSNP rs200755491, ClinGen allele CA2167948.
Genomic context (GRCh38, chr2:232,527,428, plus strand): 5'-GCCCTGAAGGATGGCCCTACCGTCTAATTACAGAAAGAAGTTGAGGAGACCCTCACTACC[A>G]ATGTGTGGATAGAGCACGTAAGAATGCCCCTCCCAGCCGGGCGCAGTGGCTCATGCCTGT-3'
Protein context (NP_000742.1, residues 66-86): LKEVEETLTT[Asn76Asp]VWIEHGWTDN